The following is an entry in ClinVar:

ClinVar aggregate classification (germline): Pathogenic (1 of 4 stars; one submission).

Conditions:
Pyknodysostosis. Also called: Pycnodysostosis. Identifiers: Orphanet 763, MedGen C0238402, MONDO:0009940, OMIM 265800.

Submission:

Natera, Inc.
Classification: Pathogenic for Pyknodysostosis. Last evaluated: 2024-05-24. Review status: criteria provided, single submitter. Criteria: Natera Variant Classification Schema (03/2026). Collection method: clinical testing. Allele origin: germline.
Comment: The c.282dup variant in CTSK is a frameshift variant predicted to shift the reading frame beginning at codon 95 and leads to a stop codon 9 codons downstream. This variant is expected to result in nonsense mediated decay, truncation, or a dysfunctional protein product. This variant is rare in the general population with a frequency below the threshold expected for the associated phenotype(s). This variant has been observed in one or more individuals affected with the associated recessive disease, as either homozygous or compound heterozygous with a second variant (PMID: 17397052). Given the available evidence, this variant is classified as Pathogenic.

Literature cited by the submitters: PubMed 17397052.

NM_000396.4(CTSK):c.282dup (p.Val95fs)

Gene: CTSK (cathepsin K; minus strand). Cytogenetic location: 1q21.3.
Variant type: Duplication.
Coding change: c.282dup on transcript NM_000396.4 (MANE Select); coding-DNA position 282, one base duplicated (A; older notation c.282dupA).
Protein change: p.Val95fs; shifts the reading frame from valine 95.
Molecular consequence: frameshift variant.
Genome position (GRCh38, 1-based): chr1:150,805,978, T duplicated on the plus strand (A on the coding strand, the reverse complement: CTSK is on the minus strand); the first of 3 consecutive T bases (chr1:150,805,978-150,805,980); duplicating any one gives the same sequence. VCF-style (leftmost placement, unchanged base first): chr1-150805977-C-CT. GRCh37 (hg19) VCF-style: chr1-150778453-C-CT.
Other names: short protein forms V95fs.
Identifiers: ClinVar variation 4818303 (VCV004818303.1).